The following is an entry in ClinVar:

NM_172245.4(CSF2RA):c.232G>A (p.Glu78Lys)

Gene: CSF2RA (colony stimulating factor 2 receptor subunit alpha; plus strand). Cytogenetic location: Xp22.33.
Variant type: single nucleotide variant.
Coding change: c.232G>A on transcript NM_172245.4 (MANE Select); coding-DNA position 232, G replaced by A.
Protein change: p.Glu78Lys; replaces glutamic acid 78 with lysine.
Molecular consequence: missense variant. On other transcripts: 5 prime UTR variant (1), non-coding transcript variant (1).
Genome position (GRCh38, 1-based): chrX:1,288,531, G>A. VCF-style: chrX-1288531-G-A. GRCh37 (hg19) VCF-style: chrX-1407424-G-A.
Other names: c.232G>A, p.Glu78Lys (NM_001161529.2, NM_001161530.2, NM_001161531.2 and 20 more transcripts); c.-168G>A (NM_001161532.2); short protein forms E78K.
Identifiers: ClinVar variation 641401 (VCV000641401.9), dbSNP rs753067685, ClinGen allele CA10330732.

ClinVar aggregate classification (germline): Uncertain significance (1 of 4 stars; one submission).

Conditions:
Surfactant metabolism dysfunction, pulmonary, 4 (SMDP4). Also called: CSF2RA DEFICIENCY; PAP DUE TO CSF2RA DEFICIENCY; PULMONARY ALVEOLAR PROTEINOSIS, CONGENITAL, 4. Identifiers: Orphanet 264675, MedGen C2677877, MONDO:0010424, OMIM 300770.

Allele frequency attached by ClinVar (database versions not stated): gnomAD exomes 0.00001; ExAC 0.00002; gnomAD 0.00002 and 0.00003; TOPMed 0.00002.
gnomAD v4.1: 43 of 1,613,766 alleles (0.0027%); highest among the groups gnomAD compares: Middle Eastern, 0.033%; no homozygotes.

Submission:

Labcorp Genetics (formerly Invitae), Labcorp
Classification: Uncertain significance for Surfactant metabolism dysfunction, pulmonary, 4. Last evaluated: 2025-10-27. Review status: criteria provided, single submitter. Criteria: Invitae Variant Classification Sherloc (09022015). Collection method: clinical testing. Allele origin: germline.
Comment: This sequence change replaces glutamic acid, which is acidic and polar, with lysine, which is basic and polar, at codon 78 of the CSF2RA protein (p.Glu78Lys). This variant is present in population databases (no rsID available, gnomAD 0.01%). This variant has not been reported in the literature in individuals affected with CSF2RA-related conditions. ClinVar contains an entry for this variant (Variation ID: 641401). Invitae Evidence Modeling of protein sequence and biophysical properties (such as structural, functional, and spatial information, amino acid conservation, physicochemical variation, residue mobility, and thermodynamic stability) indicates that this missense variant is not expected to disrupt CSF2RA protein function with a negative predictive value of 80%. In summary, the available evidence is currently insufficient to determine the role of this variant in disease. Therefore, it has been classified as a Variant of Uncertain Significance.